The following is an entry in ClinVar:

NM_000020.3(ACVRL1):c.1192A>G (p.Ile398Val)

Gene: ACVRL1 (activin A receptor like type 1; plus strand). Cytogenetic location: 12q13.13.
Variant type: single nucleotide variant.
Coding change: c.1192A>G on transcript NM_000020.3 (MANE Select); coding-DNA position 1192, A replaced by G.
Protein change: p.Ile398Val; replaces isoleucine 398 with valine.
Molecular consequence: missense variant.
Genome position (GRCh38, 1-based): chr12:51,916,179, A>G. VCF-style: chr12-51916179-A-G. GRCh37 (hg19) VCF-style: chr12-52309963-A-G.
Other names: c.1192A>G, p.Ile398Val (NM_001077401.2, NM_001406487.1, NM_001406488.1 and 1 more transcripts); c.880A>G, p.Ile294Val (NM_001406490.1, NM_001406491.1, NM_001406492.1 and 1 more transcripts); c.628A>G, p.Ile210Val (NM_001406495.1); short protein forms I210V, I294V, I398V.
Identifiers: ClinVar variation 2156952 (VCV002156952.3), dbSNP rs758384953, ClinGen allele CA6573087.
Genomic context (GRCh38, chr12:51,916,179, plus strand): 5'-CCCGAGGTGCTGGACGAGCAGATCCGCACGGACTGCTTTGAGTCCTACAAGTGGACTGAC[A>G]TCTGGGCCTTTGGCCTGGTGCTGTGGGAGATTGCCCGCCGGACCATCGTGAATGGTGAGG-3'
Protein context (NP_000011.2, residues 388-408): DCFESYKWTD[Ile398Val]WAFGLVLWEI

ClinVar aggregate classification (germline): Uncertain significance (1 of 4 stars; one submission).

Conditions:
Telangiectasia, hereditary hemorrhagic, type 2 (HHT2). Also called: ACVRL1-Related Hereditary Hemorrhagic Telangiectasia; Telangiectasia, hereditary hemorrhagic, type II. Identifiers: Orphanet 774, MedGen C1838163, MONDO:0010880, OMIM 600376. Disease mechanism: loss of function.

Allele frequency attached by ClinVar (database versions not stated): gnomAD 0.00001; TOPMed 0.00002.
gnomAD v4.1: 16 of 1,614,058 alleles (0.00099%); highest among the groups gnomAD compares: Admixed American, 0.018%; no homozygotes.

Submission:

Labcorp Genetics (formerly Invitae), Labcorp
Classification: Uncertain significance for Telangiectasia, hereditary hemorrhagic, type 2. Last evaluated: 2024-05-05. Review status: criteria provided, single submitter. Criteria: Invitae Variant Classification Sherloc (09022015). Collection method: clinical testing. Allele origin: germline.
Comment: This sequence change replaces isoleucine, which is neutral and non-polar, with valine, which is neutral and non-polar, at codon 398 of the ACVRL1 protein (p.Ile398Val). This variant is present in population databases (rs758384953, gnomAD 0.03%). This variant has not been reported in the literature in individuals affected with ACVRL1-related conditions. ClinVar contains an entry for this variant (Variation ID: 2156952). Advanced modeling of protein sequence and biophysical properties (such as structural, functional, and spatial information, amino acid conservation, physicochemical variation, residue mobility, and thermodynamic stability) performed at Invitae indicates that this missense variant is expected to disrupt ACVRL1 protein function with a positive predictive value of 80%. This variant disrupts the p.Ile398 amino acid residue in ACVRL1. Other variant(s) that disrupt this residue have been determined to be pathogenic (PMID: 11170071). This suggests that this residue is clinically significant, and that variants that disrupt this residue are likely to be disease-causing. In summary, the available evidence is currently insufficient to determine the role of this variant in disease. Therefore, it has been classified as a Variant of Uncertain Significance.

Literature cited by the submitters: PubMed 11170071.